The following is an entry in ClinVar:

ClinVar aggregate classification (germline): Pathogenic (1 of 4 stars; one submission).

Conditions:
Hereditary pheochromocytoma and paraganglioma. Also called: Hereditary paragangliomas and pheochromocytomas; Hereditary Paraganglioma-Pheochromocytoma Syndromes; Hereditary pheochromocytoma-paraganglioma. Identifiers: Orphanet 29072, MedGen C4274332, MONDO:0017366.

Submission:

Labcorp Genetics (formerly Invitae), Labcorp
Classification: Pathogenic for Hereditary pheochromocytoma and paraganglioma. Last evaluated: 2024-03-16. Review status: criteria provided, single submitter. Criteria: Invitae Variant Classification Sherloc (09022015). Collection method: clinical testing. Allele origin: germline.
Comment: This sequence change creates a premature translational stop signal (p.Tyr72*) in the SDHAF2 gene. It is expected to result in an absent or disrupted protein product. Loss-of-function variants in SDHAF2 are known to be pathogenic (PMID: 22241717, 26096992). This variant is not present in population databases (gnomAD no frequency). This variant has not been reported in the literature in individuals affected with SDHAF2-related conditions. For these reasons, this variant has been classified as Pathogenic.

Literature cited by the submitters: PubMed 22241717; PubMed 26096992.

NM_017841.4(SDHAF2):c.215_216del (p.Leu71_Tyr72insTer)

Gene: SDHAF2 (succinate dehydrogenase complex assembly factor 2; plus strand). Cytogenetic location: 11q12.2.
Variant type: Deletion.
Coding change: c.215_216del on transcript NM_017841.4 (MANE Select); coding-DNA positions 215 to 216, 2 bases deleted (AT; older notation c.215_216delAT).
Protein change: p.Leu71_Tyr72insTer.
Molecular consequence: nonsense.
Genome position (GRCh38, 1-based): chr11:61,437,803-61,437,804, AT deleted; deleting any 2 consecutive bases within chr11:61,437,802-61,437,804 gives the same sequence; the c. name uses the placement nearest the transcript's 3' end. VCF-style (leftmost placement, unchanged base first): chr11-61437801-CTA-C. GRCh37 (hg19) VCF-style: chr11-61205273-CTA-C.
Identifiers: ClinVar variation 3646144 (VCV003646144.2).
Genomic context (GRCh38, chr11:61,437,801, plus strand): 5'-TTTGCCTCCATGGCAGGAGAGAACTGATGAATCCATAGAAACCAAAAGAGCCCGCCTGCT[CTA>C]TGAGAGCAGAAAGAGGGGAATGTTGGAAAACTGCATTCTTCTTAGGTATGGGACTAGGAG-3'